The following is an entry in ClinVar:

ClinVar aggregate classification (germline): Uncertain significance (1 of 4 stars; one submission).

Submission:

Dasa
Classification: Uncertain significance. Last evaluated: 2025-05-27. Review status: criteria provided, single submitter. Criteria: DASA Assertion Criteria. Collection method: clinical testing. Allele origin: germline.
Comment: NM_001354930.2(RIPK1):c.689-9G>C is a splice-region variant. This variant is absent from population databases. Computational prediction algorithms are consistent with a benign effect. The currently available literature and clinical evidence are not sufficient to establish a definitive association between this variant and the reported condition. Therefore, this variant is classified as a variant of uncertain significance.

NM_001354930.2(RIPK1):c.689-9G>C

Gene: RIPK1 (receptor interacting serine/threonine kinase 1; plus strand). Cytogenetic location: 6p25.2.
Variant type: single nucleotide variant.
Coding change: c.689-9G>C on transcript NM_001354930.2 (MANE Select); 9 bases into the intron before coding-DNA position 689, G replaced by C.
Molecular consequence: intron variant.
Genome position (GRCh38, 1-based): chr6:3,085,250, G>C. VCF-style: chr6-3085250-G-C. GRCh37 (hg19) VCF-style: chr6-3085484-G-C.
Other names: c.200-9G>C (NM_001317061.3, NM_001354932.2, NM_001354934.2 and 1 more transcripts); c.689-9G>C (NM_003804.6); c.551-9G>C (NM_001354931.2).
Identifiers: ClinVar variation 4881189 (VCV004881189.2).